The following is an entry in ClinVar:

ClinVar aggregate classification (germline): Uncertain significance. Review status: criteria provided, multiple submitters, no conflicts (2 of 4 stars). 2 submissions from 2 submitters: Uncertain significance (2). Last evaluated 2025-05-14.

Conditions:
Vitamin B2 deficiency. Identifiers: MedGen C0035528.

Allele frequency attached by ClinVar (database versions not stated): ExAC 0.00001; gnomAD 0.00001; gnomAD exomes 0.00001; TOPMed 0.00001.
gnomAD v4.1: 12 of 1,586,044 alleles (0.00076%); highest among the groups gnomAD compares: Admixed American, 0.0088%; no homozygotes.

Submissions (2):

Ambry Genetics
Classification: Uncertain significance. Last evaluated: 2025-05-14. Review status: criteria provided, single submitter. Criteria: Ambry Variant Classification Scheme 2023. Collection method: clinical testing. Allele origin: germline.

Labcorp Genetics (formerly Invitae), Labcorp
Classification: Uncertain significance for Vitamin B2 deficiency. Last evaluated: 2024-12-31. Review status: criteria provided, single submitter. Criteria: Invitae Variant Classification Sherloc (09022015). Collection method: clinical testing. Allele origin: germline.
Comment: This sequence change replaces serine, which is neutral and polar, with phenylalanine, which is neutral and non-polar, at codon 52 of the SLC52A1 protein (p.Ser52Phe). This variant is present in population databases (rs761583604, gnomAD 0.01%). This variant has not been reported in the literature in individuals affected with SLC52A1-related conditions. ClinVar contains an entry for this variant (Variation ID: 2749402). Invitae Evidence Modeling of protein sequence and biophysical properties (such as structural, functional, and spatial information, amino acid conservation, physicochemical variation, residue mobility, and thermodynamic stability) has been performed for this missense variant. However, the output from this modeling did not meet the statistical confidence thresholds required to predict the impact of this variant on SLC52A1 protein function. In summary, the available evidence is currently insufficient to determine the role of this variant in disease. Therefore, it has been classified as a Variant of Uncertain Significance.

NM_017986.4(SLC52A1):c.155C>T (p.Ser52Phe)

Gene: SLC52A1 (solute carrier family 52 member 1; minus strand). Cytogenetic location: 17p13.2.
Variant type: single nucleotide variant.
Coding change: c.155C>T on transcript NM_017986.4 (MANE Select); coding-DNA position 155, C replaced by T.
Protein change: p.Ser52Phe; replaces serine 52 with phenylalanine.
Molecular consequence: missense variant.
Genome position (GRCh38, 1-based): chr17:5,034,334, G>A on the plus strand (C>T on the coding strand, the complement: SLC52A1 is on the minus strand). VCF-style: chr17-5034334-G-A. GRCh37 (hg19) VCF-style: chr17-4937629-G-A.
Other names: c.155C>T (NM_001104577.1); c.155C>T, p.Ser52Phe (NM_001104577.2); short protein forms S52F.
Identifiers: ClinVar variation 2749402 (VCV002749402.4), dbSNP rs761583604, ClinGen allele CA8319859.
Genomic context (GRCh38, chr17:5,034,334, plus strand): 5'-GCCAGCTGCCTCCACAGGGTCACCACCAGCAGACCCAGGTTTCCCAGCGCCACAACCACA[G>A]AGAGGTATGAGGGGAGGCTCCAACCTGCAGGGAAGGAATGATGCCATGTCAGGAGCACAG-3'
Protein context (NP_060456.3, residues 42-62): PEGWSLPSYL[Ser52Phe]VVVALGNLGL